The following is an entry in ClinVar:

ClinVar aggregate classification (germline): Pathogenic. Review status: criteria provided, multiple submitters, no conflicts (2 of 4 stars). 13 submissions from 11 submitters: Pathogenic (9). 4 of the submissions do not count toward it. Last evaluated 2025-02-05.

Conditions:
Noonan syndrome and Noonan-related syndrome. Identifiers: Orphanet 98733, MedGen C5681679, MONDO:0020297.
Cardio-facio-cutaneous syndrome. Also called: Cardiofaciocutaneous syndrome; CFC syndrome. Identifiers: Orphanet 1340, MedGen C1275081, MONDO:0015280. Disease mechanism: gain of function.
Noonan syndrome (NS). Also called: Noonan's syndrome. Identifiers: Orphanet 648, MedGen C0028326, MeSH D009634, MONDO:0018997. Disease mechanism: gain of function.
LEOPARD syndrome 3 (LPRD3). Identifiers: Orphanet 500, MedGen C3150971, MONDO:0013380, OMIM 613707.
Noonan syndrome 7 (NS7). Also called: BRAF-Related Noonan Syndrome. Identifiers: Orphanet 648, MedGen C3150970, MONDO:0013379, OMIM 613706.
Cardiofaciocutaneous syndrome 1 (CFC1). Also called: BRAF-Related Cardiofaciocutaneous Syndrome. Identifiers: Orphanet 1340, MedGen CN029449, MONDO:0007265, OMIM 115150. Disease mechanism: gain of function.
RASopathy. Also called: rasopathies; Noonan spectrum disorder. Identifiers: Orphanet 536391, MedGen C5555857, MONDO:0021060.
Non-small cell lung carcinoma (NSCLC). Also called: Non-small cell lung cancer. Identifiers: MedGen C0007131, MeSH D002289, MONDO:0005233, HP:0030358. Disease mechanism: Other.
Noonan syndrome 1 (NS1). Also called: PTPN11-Related Noonan Syndrome; FEMALE PSEUDO-TURNER SYNDROME; TURNER PHENOTYPE WITH NORMAL KARYOTYPE. Identifiers: Orphanet 648, MedGen C4551602, MONDO:0008104, OMIM 163950. Disease mechanism: gain of function.

Submissions (13):

GeneDx
Classification: Pathogenic. Last evaluated: 2025-02-05. Review status: criteria provided, single submitter. Criteria: GeneDx Variant Classification Process June 2021. Collection method: clinical testing. Allele origin: germline. Affected: yes.
Comment: Not observed at significant frequency in large population cohorts (gnomAD); Missense variants in this gene are a common cause of disease and they are underrepresented in the general population; In silico analysis supports that this missense variant has a deleterious effect on protein structure/function; This variant is associated with the following publications: (PMID: 35741772, 33057194, 35982159, 24803665, 23093928, 19206169, 22892241, 32978145, 24957944, 15488754, 16439621, 15520807, 17603483, 29493581)

Labcorp Genetics (formerly Invitae), Labcorp
Classification: Pathogenic for RASopathy. Last evaluated: 2024-04-10. Review status: criteria provided, single submitter. Criteria: Invitae Variant Classification Sherloc (09022015). Collection method: clinical testing. Allele origin: germline.
Comment: This sequence change replaces leucine, which is neutral and non-polar, with valine, which is neutral and non-polar, at codon 597 of the BRAF protein (p.Leu597Val). This variant is not present in population databases (gnomAD no frequency). This missense change has been observed in individual(s) with Noonan syndrome (PMID: 19206169). In at least one individual the variant was observed to be de novo. ClinVar contains an entry for this variant (Variation ID: 13969). Advanced modeling performed at Invitae incorporating data from internal and/or published experimental studies (Invitae) indicates that this missense variant is expected to disrupt BRAF function with a positive predictive value of 95%. Experimental studies have shown that this missense change affects BRAF function (PMID: 19206169). For these reasons, this variant has been classified as Pathogenic.

Genomic Medicine Center of Excellence, King Faisal Specialist Hospital and Research Centre
Classification: Pathogenic for Cardiofaciocutaneous syndrome. Last evaluated: 2024-03-14. Review status: criteria provided, single submitter. Criteria: ACMG Guidelines, 2015. Collection method: clinical testing. Allele origin: germline.

Dasa
Classification: Pathogenic for Noonan syndrome 7. Last evaluated: 2022-06-10. Review status: criteria provided, single submitter. Criteria: ACMG Guidelines, 2015. Collection method: clinical testing. Allele origin: germline. Affected: yes. Observed: 1 variant allele.
Comment: The c.1909C>G;p.(Leu637Val) missense change has been observed in affected individual(s) and ClinVar contains an entry for this variant (ClinVar ID: 13969; PMID: 19206169) - PS4.Well-established in vitro or in vivo functional studies supportive of a damaging effect on the gene or gene product (PMID: 19206169) - PS3_supporting. The variant is located in a mutational hot spot and/or critical and well-established functional domain (PK_Tyr_Ser-Thr) - PM1. This variant is not present in population databases:rs121913369, gnomAD; ABraOM no frequency) - PM2. The variant was assumed de novo, but without confirmation of paternity and maternity (PMID: 19206169) PM6. In summary, the currently available evidence indicates that the variant is Pathogenic

Women's Health and Genetics/Laboratory Corporation of America, LabCorp
Classification: Pathogenic for Cardio-facio-cutaneous syndrome. Last evaluated: 2022-06-03. Review status: criteria provided, single submitter. Criteria: LabCorp Variant Classification Summary - May 2015. Collection method: clinical testing. Allele origin: germline.
Comment: Variant summary: BRAF c.1789C>G (p.Leu597Val) results in a conservative amino acid change located in the Protein kinase domain (IPR000719) of the encoded protein sequence. Four of five in-silico tools predict a damaging effect of the variant on protein function. The variant was absent in 251240 control chromosomes. c.1789C>G has been reported in the literature as a de-novo variant in multiple individuals affected with Noonan/Cardiofaciocutaneous syndrome (example, Sarkozy_2009, Pierpont_2010, Stevenson_2011, Timeus_2013, Wei_2021). These data indicate that the variant is likely to be associated with disease. Ras/MAPK dysregulation in development has been deonstrated to cause a skeletal myopathy in an activating Braf-L597V mouse model for cardio-facio-cutaneous syndrome (Maeda_2021). Multiple clinical diagnostic laboratories have submitted clinical-significance assessments for this variant to ClinVar after 2014 without evidence for independent evaluation. All submitters classified the variant as pathogenic/likely pathogenic. Based on the evidence outlined above, the variant was classified as pathogenic.

Institute of Medical Genetics and Applied Genomics, University Hospital Tübingen
Classification: Pathogenic. Last evaluated: 2020-10-23. Review status: criteria provided, single submitter. Criteria: ACMG Guidelines, 2015. Collection method: clinical testing. Allele origin: germline. Inheritance: Unknown mechanism. Affected: yes.

Genome Diagnostics Laboratory, The Hospital for Sick Children
Classification: Pathogenic for Noonan syndrome and Noonan-related syndrome. Last evaluated: 2020-07-01. Review status: criteria provided, single submitter. Criteria: ACMG Guidelines, 2015. Collection method: clinical testing. Allele origin: germline. Affected: yes.

CeGaT Center for Human Genetics Tuebingen
Classification: Pathogenic. Last evaluated: 2020-01-01. Review status: criteria provided, single submitter. Criteria: CeGaT Center For Human Genetics Tuebingen Variant Classification Criteria Version 2. Collection method: clinical testing. Allele origin: germline. Affected: yes. Observed: 1 variant allele.

Laboratory for Molecular Medicine, Mass General Brigham Personalized Medicine
Classification: Pathogenic for Noonan syndrome; Cardio-facio-cutaneous syndrome. Last evaluated: 2016-04-21. Review status: criteria provided, single submitter. Criteria: LMM Criteria. Collection method: clinical testing. Allele origin: germline. Observed: 5 variant alleles.
Comment: The p.Leu597Val variant in BRAF has been previously reported in 4 individuals wi th clinical features of Noonan syndrome and Cardio-facio-cutaneous syndrome, inc luding one de novo occurrence (Sarkozy 2009, LMM data). It has not been identifi ed in large population studies. The p.Leu597Val has also been previously reporte d as a somatic mutation in melanomas and non-small cell lung carcinomas (NSCLC)( COSMIC). In vitro functional studies suggest that the p.Leu597Val variant may i mpact protein function (Wan 2004, Andreadi 2012, Sarkozy 2009). In summary, this variant meets the criteria to be classified as pathogenic for Noonan spectrum d isorders in an autosomal dominant manner based upon the de novo occurrence, stat istically significant increase of the allele frequency in affected individuals o ver the general population, and supporting functional evidence.

Laboratory for Molecular Medicine, Mass General Brigham Personalized Medicine
Classification: Pathogenic for Non-small cell lung carcinoma. Last evaluated: 2016-04-21. Review status: no assertion criteria provided. Collection method: clinical testing. Allele origin: somatic. Observed: 5 variant alleles. Not counted in ClinVar's aggregate classification.

OMIM
Classification: Pathogenic for NOONAN SYNDROME 7. Last evaluated: 2009-04-01. Review status: no assertion criteria provided. Collection method: literature only. Allele origin: germline. Not counted in ClinVar's aggregate classification.

OMIM
Classification: Pathogenic for NONSMALL CELL LUNG CANCER, SOMATIC. Last evaluated: 2003-08-15. Review status: no assertion criteria provided. Collection method: literature only. Allele origin: somatic. Not counted in ClinVar's aggregate classification.

GeneReviews
No classification provided. Condition: Noonan syndrome 1. Review status: no classification provided. Collection method: literature only. Allele origin: germline. Affected: yes. Not counted in ClinVar's aggregate classification.

Literature cited by the submitters: PubMed 19206169 (cited by 5 submitters); PubMed 20186801 (cited by Women's Health and Genetics/Laboratory Corporation of America, LabCorp); PubMed 23756559 (cited by Women's Health and Genetics/Laboratory Corporation of America, LabCorp); PubMed 21204800 (cited by Women's Health and Genetics/Laboratory Corporation of America, LabCorp); PubMed 22892241 (cited by Women's Health and Genetics/Laboratory Corporation of America, LabCorp and Laboratory for Molecular Medicine, Mass General Brigham Personalized Medicine); PubMed 33522658 (cited by Women's Health and Genetics/Laboratory Corporation of America, LabCorp); PubMed 32978145 (cited by Women's Health and Genetics/Laboratory Corporation of America, LabCorp); PubMed 15035987 (cited by Laboratory for Molecular Medicine, Mass General Brigham Personalized Medicine); PubMed 23093928 (cited by Laboratory for Molecular Medicine, Mass General Brigham Personalized Medicine); PubMed 12460918 (cited by OMIM); PubMed 12960123 (cited by OMIM); NCBI Bookshelf NBK1124 (cited by GeneReviews).

NM_004333.6(BRAF):c.1789C>G (p.Leu597Val)

Gene: BRAF (B-Raf proto-oncogene, serine/threonine kinase; minus strand). Cytogenetic location: 7q34.
Variant type: single nucleotide variant.
Coding change: c.1789C>G on transcript NM_004333.6 (MANE Select); coding-DNA position 1789, C replaced by G.
Protein change: p.Leu597Val; replaces leucine 597 with valine.
Molecular consequence: missense variant.
Genome position (GRCh38, 1-based): chr7:140,753,346, G>C on the plus strand (C>G on the coding strand, the complement: BRAF is on the minus strand). VCF-style: chr7-140753346-G-C. GRCh37 (hg19) VCF-style: chr7-140453146-G-C.
Other names: c.1789C>G, p.Leu597Val (NM_001354609.2, NM_001378468.1, NM_001378474.1); c.1909C>G, p.Leu637Val (NM_001374244.1, NM_001374258.1); c.1798C>G, p.Leu600Val (NM_001378467.1); c.1723C>G, p.Leu575Val (NM_001378469.1); c.1687C>G, p.Leu563Val (NM_001378470.1); c.1678C>G, p.Leu560Val (NM_001378471.1); c.1633C>G, p.Leu545Val (NM_001378472.1, NM_001378473.1); c.1525C>G, p.Leu509Val (NM_001378475.1); short protein forms L597V, L509V, L545V, L563V, L600V, L637V, L560V, L575V.
Identifiers: ClinVar variation 13969 (VCV000013969.64), dbSNP rs121913369, ClinGen allele CA123651.